The following is an entry in ClinVar:

ClinVar aggregate classification (germline): Pathogenic (1 of 4 stars; one submission).

Submission:

Mayo Clinic Laboratories, Mayo Clinic
Classification: Pathogenic. Last evaluated: 2023-09-29. Review status: criteria provided, single submitter. Criteria: ACMG Guidelines, 2015. Collection method: clinical testing. Allele origin: germline. Observed: 1 variant allele.
Comment: PM2, PM3, PS1, PS4_supporting, PVS1_strong

Literature cited by the submitters: PubMed 34111698.

NM_000388.4(CASR):c.1659del (p.Ile554fs)

Gene: CASR (calcium sensing receptor; plus strand). Cytogenetic location: 3q21.1.
Variant type: Deletion.
Coding change: c.1659del on transcript NM_000388.4 (MANE Select); coding-DNA position 1659, one base deleted (G; older notation c.1659delG).
Protein change: p.Ile554fs; shifts the reading frame from isoleucine 554.
Molecular consequence: frameshift variant.
Genome position (GRCh38, 1-based): chr3:122,282,163, G deleted; the last of 3 consecutive G bases (chr3:122,282,161-122,282,163); deleting any one gives the same sequence. VCF-style (leftmost placement, unchanged base first): chr3-122282160-AG-A. GRCh37 (hg19) VCF-style: chr3-122001007-AG-A.
Other names: p.Ile554Serfs*73; c.1689del, p.Ile564fs (NM_001178065.2); short protein forms I554fs, I564fs.
Identifiers: ClinVar variation 3380978 (VCV003380978.1).